The following is an entry in ClinVar:

ClinVar aggregate classification (germline): Benign. Review status: criteria provided, multiple submitters, no conflicts (2 of 4 stars). 2 submissions from 2 submitters: Benign (2). Last evaluated 2018-01-12.

Conditions:
Diabetes insipidus, nephrogenic, autosomal (NDI2). Also called: Nephrogenic Diabetes Insipidus, Type II; Diabetes insipidus, nephrogenic, 2, autosomal. Identifiers: Orphanet 223, MedGen C1563706, MONDO:0007451, OMIM 125800.

Allele frequency attached by ClinVar (database versions not stated): TOPMed 0.17511; gnomAD 0.17599 and 0.18285; gnomAD exomes 0.21429; 1000 Genomes Project 30x 0.21674; 1000 Genomes Project 0.22584.
gnomAD v4.1: 27,896 of 152,284 alleles (18%); highest among the groups gnomAD compares: East Asian, 36%; 2,801 homozygotes.

Submissions (2):

Illumina Laboratory Services, Illumina
Classification: Benign for Diabetes insipidus, nephrogenic, autosomal. Last evaluated: 2018-01-12. Review status: criteria provided, single submitter. Criteria: ICSL Variant Classification Criteria 13 December 2019. Collection method: clinical testing. Allele origin: germline.
Comment: This variant was observed in the ICSL laboratory as part of a predisposition screen in an ostensibly healthy population. It had not been previously curated by ICSL or reported in the Human Gene Mutation Database (HGMD: prior to June 1st, 2018), and was therefore a candidate for classification through an automated scoring system. Utilizing variant allele frequency, disease prevalence and penetrance estimates, and inheritance mode, an automated score was calculated to assess if this variant is too frequent to cause the disease. Based on the score and internal cut-off values, a variant classified as benign is not then subjected to further curation. The score for this variant resulted in a classification of benign for this disease.

Breakthrough Genomics
Classification: Benign. Review status: criteria provided, single submitter. Criteria: ACMG Guidelines, 2015. Collection method: not provided. Allele origin: germline. Inheritance: Autosomal dominant inheritance. Affected: yes.

NM_000486.6(AQP2):c.*3002G>C

Genes: AQP2 (aquaporin 2; plus strand), AQP5-AS1 (AQP5 and AQP2 antisense RNA 2; minus strand). Cytogenetic location: 12q13.12.
Variant type: single nucleotide variant.
Coding change: c.*3002G>C on transcript NM_000486.6 (MANE Select); 3002 bases downstream of the stop codon, G replaced by C.
Molecular consequence: 3 prime UTR variant.
Genome position (GRCh38, 1-based): chr12:49,958,610, G>C. VCF-style: chr12-49958610-G-C. GRCh37 (hg19) VCF-style: chr12-50352393-G-C.
Identifiers: ClinVar variation 309270 (VCV000309270.6), dbSNP rs2878771, ClinGen allele CA10633055.
Genomic context (GRCh38, chr12:49,958,610, plus strand): 5'-GAACAGAGATCACACACACCAAACCAGACAGAGGCAGGGCAGCATGGAGACAGGTAGACA[G>C]ACCTCCAGGTCCCTAAGCTGGGGACAGAGAAGGTTCTGAGCTGTCCCATACTCCCACTTT-3'